The following is an entry in ClinVar:

NM_001369.3(DNAH5):c.770T>C (p.Met257Thr)

Gene: DNAH5 (dynein axonemal heavy chain 5; minus strand). Cytogenetic location: 5p15.2.
Variant type: single nucleotide variant.
Coding change: c.770T>C on transcript NM_001369.3 (MANE Select); coding-DNA position 770, T replaced by C.
Protein change: p.Met257Thr; replaces methionine 257 with threonine.
Molecular consequence: missense variant.
Genome position (GRCh38, 1-based): chr5:13,920,508, A>G on the plus strand (T>C on the coding strand, the complement: DNAH5 is on the minus strand). VCF-style: chr5-13920508-A-G. GRCh37 (hg19) VCF-style: chr5-13920617-A-G.
Other names: short protein forms M257T.
Identifiers: ClinVar variation 1376547 (VCV001376547.8), dbSNP rs771377608, ClinGen allele CA3205103.

ClinVar aggregate classification (germline): Uncertain significance (1 of 4 stars; one submission).

Conditions:
Primary ciliary dyskinesia. Also called: Ciliary dyskinesia. Identifiers: Orphanet 244, MedGen C0008780, MONDO:0016575, HP:0012265.

gnomAD v4.1: 2 of 1,614,166 alleles (0.00012%); highest among the groups gnomAD compares: African/African-American, 0.0013%; no homozygotes.

Submission:

Labcorp Genetics (formerly Invitae), Labcorp
Classification: Uncertain significance for Primary ciliary dyskinesia. Last evaluated: 2021-03-10. Review status: criteria provided, single submitter. Criteria: Invitae Variant Classification Sherloc (09022015). Collection method: clinical testing. Allele origin: germline.
Comment: This sequence change replaces methionine with threonine at codon 257 of the DNAH5 protein (p.Met257Thr). The methionine residue is moderately conserved and there is a moderate physicochemical difference between methionine and threonine. This variant is present in population databases (rs771377608, ExAC 0.01%). This variant has not been reported in the literature in individuals with DNAH5-related conditions. Advanced modeling of protein sequence and biophysical properties (such as structural, functional, and spatial information, amino acid conservation, physicochemical variation, residue mobility, and thermodynamic stability) performed at Invitae indicates that this missense variant is not expected to disrupt DNAH5 protein function. In summary, the available evidence is currently insufficient to determine the role of this variant in disease. Therefore, it has been classified as a Variant of Uncertain Significance.